The following is an entry in ClinVar:

ClinVar aggregate classification (germline): Uncertain significance (1 of 4 stars; one submission).

Conditions:
Hyper-IgE recurrent infection syndrome 3, autosomal recessive. Also called: Autosomal recessive hyper-IgE syndrome due to ZNF341 deficiency; HYPER-IgE SYNDROME 3, AUTOSOMAL RECESSIVE, WITH RECURRENT INFECTIONS. Identifiers: Orphanet 641368, MedGen C4748969, MONDO:0032654, OMIM 618282.

Allele frequency attached by ClinVar (database versions not stated): gnomAD 0.00001; TOPMed 0.00001; ExAC 0.00005.
gnomAD v4.1: 23 of 1,614,002 alleles (0.0014%); highest among the groups gnomAD compares: Non-Finnish European, 0.00051%; no homozygotes.

Submission:

Labcorp Genetics (formerly Invitae), Labcorp
Classification: Uncertain significance for Combined immunodeficiency due to DOCK8 deficiency. Last evaluated: 2024-01-20. Review status: criteria provided, single submitter. Criteria: Invitae Variant Classification Sherloc (09022015). Collection method: clinical testing. Allele origin: germline.
Comment: This sequence change replaces isoleucine, which is neutral and non-polar, with valine, which is neutral and non-polar, at codon 518 of the DOCK8 protein (p.Ile518Val). This variant is present in population databases (rs777318020, gnomAD 0.009%). This variant has not been reported in the literature in individuals affected with DOCK8-related conditions. Advanced modeling of protein sequence and biophysical properties (such as structural, functional, and spatial information, amino acid conservation, physicochemical variation, residue mobility, and thermodynamic stability) performed at Invitae indicates that this missense variant is not expected to disrupt DOCK8 protein function with a negative predictive value of 80%. In summary, the available evidence is currently insufficient to determine the role of this variant in disease. Therefore, it has been classified as a Variant of Uncertain Significance.

NM_203447.4(DOCK8):c.1552A>G (p.Ile518Val)

Gene: DOCK8 (dedicator of cytokinesis 8; plus strand). Cytogenetic location: 9p24.3.
Variant type: single nucleotide variant.
Coding change: c.1552A>G on transcript NM_203447.4 (MANE Select); coding-DNA position 1552, A replaced by G.
Protein change: p.Ile518Val; replaces isoleucine 518 with valine.
Molecular consequence: missense variant.
Genome position (GRCh38, 1-based): chr9:340,194, A>G. VCF-style: chr9-340194-A-G. GRCh37 (hg19) VCF-style: chr9-340194-A-G.
Other names: c.1348A>G, p.Ile450Val (NM_001190458.2, NM_001193536.2); short protein forms I450V, I518V.
Identifiers: ClinVar variation 2791296 (VCV002791296.1), dbSNP rs777318020, ClinGen allele CA4957784.